The following is an entry in ClinVar:

ClinVar aggregate classification (germline): Pathogenic (1 of 4 stars; one submission).

Conditions:
Tuberous sclerosis 1 (TSC1). Identifiers: Orphanet 805, MedGen C1854465, MONDO:0008612, OMIM 191100.

Submission:

Labcorp Genetics (formerly Invitae), Labcorp
Classification: Pathogenic for Tuberous sclerosis 1. Last evaluated: 2022-07-13. Review status: criteria provided, single submitter. Criteria: Invitae Variant Classification Sherloc (09022015). Collection method: clinical testing. Allele origin: germline.
Comment: For these reasons, this variant has been classified as Pathogenic. A similar copy number variant has been observed in individual(s) with tuberous sclerosis complex (PMID: 28623545; Invitae). This variant is a gross deletion of the genomic region encompassing exon(s) 21-23 of the TSC1 gene, which includes the termination codon. This deletion extends beyond the assayed region for this gene and therefore may encompass additional genes. While this deletion is not anticipated to lead to nonsense mediated decay, it is expected to alter mRNA translation or result in a truncated protein product.

Literature cited by the submitters: PubMed 28623545.

NC_000009.11:g.(?_135771622)_(135773017_?)del

Gene: TSC1 (TSC complex subunit 1; minus strand). Cytogenetic location: 9q34.13.
Variant type: Deletion.
Identifiers: ClinVar variation 2422967 (VCV002422967.4).